The following is an entry in ClinVar:

ClinVar aggregate classification (germline): Pathogenic (1 of 4 stars; one submission).

Conditions:
Carney complex, type 1 (CNC1). Also called: CARNEY MYXOMA-ENDOCRINE COMPLEX; CARNEY COMPLEX, TYPE I. Identifiers: Orphanet 1359, MedGen C2607929, MONDO:0008057, OMIM 160980.

Submission:

Labcorp Genetics (formerly Invitae), Labcorp
Classification: Pathogenic for Carney complex, type 1. Last evaluated: 2021-03-01. Review status: criteria provided, single submitter. Criteria: Invitae Variant Classification Sherloc (09022015). Collection method: clinical testing. Allele origin: germline.
Comment: For these reasons, this variant has been classified as Pathogenic. This sequence change creates a premature translational stop signal (p.Asn309Argfs*4) in the PRKAR1A gene. While this is not anticipated to result in nonsense mediated decay, it is expected to disrupt the last 73 amino acid(s) of the PRKAR1A protein. This variant is not present in population databases (ExAC no frequency). This variant has not been reported in the literature in individuals with PRKAR1A-related conditions. This variant disrupts the C-terminus of the PRKAR1A protein. Other variant(s) that disrupt this region (p.Arg368*) have been determined to be pathogenic (PMID: 21651393, 28804209, 22464250). This suggests that variants that disrupt this region of the protein are likely to be causative of disease.

Literature cited by the submitters: PubMed 21651393; PubMed 28804209; PubMed 22464250.

NM_002734.5(PRKAR1A):c.926_930del (p.Asn309fs)

Gene: PRKAR1A (protein kinase cAMP-dependent type I regulatory subunit alpha; plus strand). Cytogenetic location: 17q24.2.
Variant type: Deletion.
Coding change: c.926_930del on transcript NM_002734.5 (MANE Select); coding-DNA positions 926 to 930, 5 bases deleted (ATGAA; older notation c.926_930delATGAA).
Protein change: p.Asn309fs; shifts the reading frame from asparagine 309.
Molecular consequence: frameshift variant.
Genome position (GRCh38, 1-based): chr17:68,529,954-68,529,958, ATGAA deleted; deleting any 5 consecutive bases within chr17:68,529,952-68,529,958 gives the same sequence; the c. name uses the placement nearest the transcript's 3' end. VCF-style (leftmost placement, unchanged base first): chr17-68529951-AAAATG-A. GRCh37 (hg19) VCF-style: chr17-66526092-AAAATG-A.
Other names: c.926_930del, p.Asn309fs (NM_001276289.2, NM_001276290.1, NM_001278433.2 and 4 more transcripts); short protein forms N309fs.
Identifiers: ClinVar variation 1452556 (VCV001452556.8), dbSNP rs2143383396, ClinGen allele CA2573154786.
Genomic context (GRCh38, chr17:68,529,951, plus strand): 5'-TGTTTAGCTTTTTGGTGATTTTATTATAGGGGTCAGCTGCTGTGCTACAACGTCGGTCAG[AAAATG>A]AAGAGTTTGTTGAAGTGGGAAGATTGGGGCCTTCTGATTATTTTGGTATGTATGAATTCC-3'